The following is an entry in ClinVar:

NM_152383.5(DIS3L2):c.842C>A (p.Pro281His)

Gene: DIS3L2 (DIS3 like 3'-5' exoribonuclease 2; plus strand). Cytogenetic location: 2q37.1.
Variant type: single nucleotide variant.
Coding change: c.842C>A on transcript NM_152383.5 (MANE Select); coding-DNA position 842, C replaced by A.
Protein change: p.Pro281His; replaces proline 281 with histidine.
Molecular consequence: missense variant. On other transcripts: non-coding transcript variant (1).
Genome position (GRCh38, 1-based): chr2:232,136,611, C>A. VCF-style: chr2-232136611-C-A. GRCh37 (hg19) VCF-style: chr2-233001321-C-A.
Other names: c.842C>A, p.Pro281His (NM_001257281.2); short protein forms P281H.
Identifiers: ClinVar variation 1063630 (VCV001063630.9), dbSNP rs2106355473, ClinGen allele CA351153707.
Genomic context (GRCh38, chr2:232,136,611, plus strand): 5'-TGTTTAGGAAATACGCCCTGTTTTCTCCCTCAGACCACCGAGTGCCTAGAATTTATGTGC[C>A]TCTCAAGGACTGTCCCCAGGACTTTGTGGCACGGCCTAAAGATTATGCCAACACACTGTT-3'
Protein context (NP_689596.4, residues 271-291): SDHRVPRIYV[Pro281His]LKDCPQDFVA

ClinVar aggregate classification (germline): Uncertain significance (1 of 4 stars; one submission).

Conditions:
Perlman syndrome (PRLMNS). Identifiers: Orphanet 2849, MedGen C0796113, MONDO:0009965, OMIM 267000.

Submission:

Labcorp Genetics (formerly Invitae), Labcorp
Classification: Uncertain significance for Perlman syndrome. Last evaluated: 2020-04-16. Review status: criteria provided, single submitter. Criteria: Invitae Variant Classification Sherloc (09022015). Collection method: clinical testing. Allele origin: germline.
Comment: Algorithms developed to predict the effect of missense changes on protein structure and function are either unavailable or do not agree on the potential impact of this missense change (SIFT: "Deleterious"; PolyPhen-2: "Probably Damaging"; Align-GVGD: "Class C0"). In summary, the available evidence is currently insufficient to determine the role of this variant in disease. Therefore, it has been classified as a Variant of Uncertain Significance. This variant has not been reported in the literature in individuals with DIS3L2-related conditions. This variant is not present in population databases (ExAC no frequency). This sequence change replaces proline with histidine at codon 281 of the DIS3L2 protein (p.Pro281His). The proline residue is moderately conserved and there is a moderate physicochemical difference between proline and histidine.